The following is an entry in ClinVar:

NM_004320.6(ATP2A1):c.251C>T (p.Thr84Ile)

Gene: ATP2A1 (ATPase sarcoplasmic/endoplasmic reticulum Ca2+ transporting 1; plus strand). Cytogenetic location: 16p11.2.
Variant type: single nucleotide variant.
Coding change: c.251C>T on transcript NM_004320.6 (MANE Select); coding-DNA position 251, C replaced by T.
Protein change: p.Thr84Ile; replaces threonine 84 with isoleucine.
Molecular consequence: missense variant. On other transcripts: 5 prime UTR variant (1).
Genome position (GRCh38, 1-based): chr16:28,880,946, C>T. VCF-style: chr16-28880946-C-T. GRCh37 (hg19) VCF-style: chr16-28892267-C-T.
Other names: c.-125C>T (NM_001286075.2); c.251C>T, p.Thr84Ile (NM_173201.5); short protein forms T84I.
Identifiers: ClinVar variation 646250 (VCV000646250.4), dbSNP rs146091204, ClinGen allele CA7986590.

ClinVar aggregate classification (germline): Uncertain significance (1 of 4 stars; one submission).

Conditions:
Brody myopathy. Also called: BRODY DISEASE. Identifiers: Orphanet 53347, MedGen C1832918, MONDO:0010977, OMIM 601003.

Allele frequency attached by ClinVar (database versions not stated): ExAC 0.00002; gnomAD exomes 0.00002 and 0.00005; gnomAD 0.00003 and 0.00004; TOPMed 0.00004; ESP Exome Variant Server 0.00008.
gnomAD v4.1: 31 of 1,614,084 alleles (0.0019%); highest among the groups gnomAD compares: Admixed American, 0.0083%; no homozygotes.

Submission:

Labcorp Genetics (formerly Invitae), Labcorp
Classification: Uncertain significance for Brody myopathy. Last evaluated: 2022-07-06. Review status: criteria provided, single submitter. Criteria: Invitae Variant Classification Sherloc (09022015). Collection method: clinical testing. Allele origin: germline.
Comment: This sequence change replaces threonine, which is neutral and polar, with isoleucine, which is neutral and non-polar, at codon 84 of the ATP2A1 protein (p.Thr84Ile). This variant is present in population databases (rs146091204, gnomAD 0.01%). This variant has not been reported in the literature in individuals affected with ATP2A1-related conditions. ClinVar contains an entry for this variant (Variation ID: 646250). Algorithms developed to predict the effect of missense changes on protein structure and function are either unavailable or do not agree on the potential impact of this missense change (SIFT: "Tolerated"; PolyPhen-2: "Probably Damaging"; Align-GVGD: "Class C0"). In summary, the available evidence is currently insufficient to determine the role of this variant in disease. Therefore, it has been classified as a Variant of Uncertain Significance.